The following is an entry in ClinVar:

ClinVar aggregate classification (germline): Pathogenic/Likely pathogenic. Review status: criteria provided, multiple submitters, no conflicts (2 of 4 stars). 7 submissions from 7 submitters: Pathogenic (4); Likely pathogenic (1). 2 of the submissions do not count toward it. Last evaluated 2025-07-26.

Conditions:
AFG2B-related disorder. Also called: AFG2B-related condition.
SPATA5L1-associated disorder.
Neurodevelopmental disorder with hearing loss and spasticity. Identifiers: Orphanet 659975, MedGen C5562024, MONDO:0859206, OMIM 619616.

Allele frequency attached by ClinVar (database versions not stated): gnomAD exomes 0.00001; gnomAD 0.00002 and 0.00003; TOPMed 0.00002.
gnomAD v4.1: 16 of 1,614,160 alleles (0.00099%); highest among the groups gnomAD compares: Non-Finnish European, 0.0014%; no homozygotes.

Submissions (7):

Rady Children's Institute for Genomic Medicine, Rady Children's Hospital San Diego
Classification: Pathogenic for Neurodevelopmental disorder with hearing loss and spasticity. Last evaluated: 2025-07-26. Review status: criteria provided, single submitter. Criteria: ACMG Guidelines, 2015. Collection method: clinical testing. Allele origin: germline. Affected: yes.
Comment: The c.1199C>T (p.Thr400Ile) variant affects a highly conserved amino acid and is predicted by multiple in silico tools to have a deleterious effect on protein function. This variant has been previously reported as a compound heterozygous change in patients with neurodevelopmental disorder with hearing loss and spasticity (PMID: 34626583, 39039281). The c.1199C>T (p.Thr400Ile) variant is present in the latest version of the gnomAD population database at an allele frequency of 0.00099% (16/1614160), and is absent in the homozygous state, thus is presumed to be rare. Based on the available evidence, c.1199C>T (p.Thr400Ile) is classified as Pathogenic.

Institute of Human Genetics, University of Leipzig Medical Center
Classification: Pathogenic for Neurodevelopmental disorder with hearing loss and spasticity. Last evaluated: 2025-05-13. Review status: criteria provided, single submitter. Criteria: ACMG Guidelines, 2015. Collection method: clinical testing. Allele origin: maternal. Inheritance: Autosomal recessive inheritance. Affected: yes.
Comment: Criteria applied: PM3_VSTR,PM2,PP1_MOD,PP3

CeGaT Center for Human Genetics Tuebingen
Classification: Pathogenic. Last evaluated: 2024-02-01. Review status: criteria provided, single submitter. Criteria: CeGaT Center For Human Genetics Tuebingen Variant Classification Criteria Version 2. Collection method: clinical testing. Allele origin: germline. Affected: yes. Observed: 2 variant alleles.
Comment: AFG2B: PM3:Strong, PP1:Strong, PM2, PP3

PreventionGenetics, part of Exact Sciences
Classification: Likely pathogenic for AFG2B-related condition. Last evaluated: 2023-08-30. Review status: criteria provided, single submitter. Criteria: ACMG Guidelines, 2015. Collection method: clinical testing. Allele origin: germline.
Comment: The AFG2B c.1199C>T variant is predicted to result in the amino acid substitution p.Thr400Ile. This variant was observed to segregate with disease in the homozygous or compound heterozygous state in three families affected with intellectual disability, spastic-dystonic cerebral palsy, epilepsy, and hearing loss (Richard et al 2021. PubMed ID: 34626583). This variant is reported in 0.013% of alleles in individuals of European (Non-Finnish) descent in gnomAD and interpreted as pathogenic/likely pathogenic in ClinVar. Taken together, this variant is interpreted as likely pathogenic.

Institute of Human Genetics Munich, TUM University Hospital
Classification: Pathogenic for SPATA5L1-associated disorder. Last evaluated: 2020-06-24. Review status: criteria provided, single submitter. Criteria: Classification criteria August 2017. Collection method: clinical testing. Allele origin: germline, paternal. Inheritance: Autosomal recessive inheritance. Affected: yes. Observed: 2 compound heterozygotes. Clinical features observed: Hearing impairment (HP:0000365), Reduced factor XI activity (HP:0001929), Global developmental delay (HP:0001263), Hypotonia (HP:0001252), Sensorineural hearing loss disorder (HP:0000407), Global developmental delay (HP:0025356), Seizure (HP:0001250), Developmental dysplasia of the hip (HP:0001385), Dystonic disorder (HP:0001332), Microcephaly (HP:0000252), Gastroesophageal reflux (HP:0002020).

OMIM
Classification: Pathogenic for NEURODEVELOPMENTAL DISORDER WITH HEARING LOSS AND SPASTICITY. Last evaluated: 2023-04-19. Review status: no assertion criteria provided. Collection method: literature only. Allele origin: germline. Not counted in ClinVar's aggregate classification.

Houlden Lab, UCL Institute of Neurology
Classification: Likely pathogenic. Review status: no assertion criteria provided. Collection method: research. Allele origin: germline. Inheritance: Autosomal recessive inheritance. Affected: yes. Observed: 3 homozygotes. Clinical features observed: Intellectual disability (HP:0001249), Spastic tetraparesis (HP:0001285), Dystonia, Epilepsy, Cerebral visual impairment (HP:0100704), Hearing loss, Neurodegenerative course. Not counted in ClinVar's aggregate classification.

Literature cited by the submitters: PubMed 34626583 (cited by Rady Children's Institute for Genomic Medicine, Rady Children's Hospital San Diego and OMIM); PubMed 39039281 (cited by Rady Children's Institute for Genomic Medicine, Rady Children's Hospital San Diego).

NM_024063.3(AFG2B):c.1199C>T (p.Thr400Ile)

Gene: AFG2B (AAA ATPase AFG2B; plus strand). Cytogenetic location: 15q21.1.
Variant type: single nucleotide variant.
Coding change: c.1199C>T on transcript NM_024063.3 (MANE Select); coding-DNA position 1199, C replaced by T.
Protein change: p.Thr400Ile; replaces threonine 400 with isoleucine.
Molecular consequence: missense variant. On other transcripts: non-coding transcript variant (5).
Genome position (GRCh38, 1-based): chr15:45,405,429, C>T. VCF-style: chr15-45405429-C-T. GRCh37 (hg19) VCF-style: chr15-45697627-C-T.
Other names: c.1199C>T (NM_024063.2); c.1199C>T, p.Thr400Ile (NM_001323640.2); short protein forms T400I.
Identifiers: ClinVar variation 976742 (VCV000976742.32), dbSNP rs1372719653, ClinGen allele CA392266376.